The following is an entry in ClinVar:

NM_020779.4(WDR35):c.*98T>C

Gene: WDR35 (WD repeat domain 35; minus strand). Cytogenetic location: 2p24.1.
Variant type: single nucleotide variant.
Coding change: c.*98T>C on transcript NM_020779.4 (MANE Select); 98 bases downstream of the stop codon, T replaced by C.
Molecular consequence: 3 prime UTR variant.
Genome position (GRCh38, 1-based): chr2:19,913,460, A>G on the plus strand (T>C on the coding strand, the complement: WDR35 is on the minus strand). VCF-style: chr2-19913460-A-G. GRCh37 (hg19) VCF-style: chr2-20113221-A-G.
Other names: c.*98T>C (NM_001006657.2).
Identifiers: ClinVar variation 333368 (VCV000333368.7), dbSNP rs6748924, ClinGen allele CA10611919.

ClinVar aggregate classification (germline): Benign. Review status: criteria provided, multiple submitters, no conflicts (2 of 4 stars). 4 submissions from 3 submitters: Benign (4). Last evaluated 2018-09-01.

Conditions:
Short-rib thoracic dysplasia 7 with or without polydactyly (SRTD7). Also called: Short rib polydactyly syndrome 5; SHORT-RIB THORACIC DYSPLASIA 7 WITH POLYDACTYLY. Identifiers: Orphanet 498497, Orphanet 93271, MedGen C3279792, MONDO:0013569, OMIM 614091.
Cranioectodermal dysplasia 2 (CED2). Identifiers: Orphanet 1515, MedGen C3150874, MONDO:0013323, OMIM 613610.

Allele frequency attached by ClinVar (database versions not stated): gnomAD exomes 0.07302; 1000 Genomes Project 0.09305; 1000 Genomes Project 30x 0.09619; gnomAD 0.09789 and 0.10155; TOPMed 0.10240.
gnomAD v4.1: 111,869 of 1,482,398 alleles (7.5%); highest among the groups gnomAD compares: African/African-American, 19%; 4,942 homozygotes.

Submissions (4):

GeneDx
Classification: Benign. Last evaluated: 2018-09-01. Review status: criteria provided, single submitter. Criteria: GeneDx Variant Classification Process June 2021. Collection method: clinical testing. Allele origin: germline. Affected: yes.

Illumina Laboratory Services, Illumina
Classification: Benign for Short-rib thoracic dysplasia 7 with or without polydactyly. Last evaluated: 2018-01-13. Review status: criteria provided, single submitter. Criteria: ICSL Variant Classification Criteria 13 December 2019. Collection method: clinical testing. Allele origin: germline.
Comment: This variant was observed in the ICSL laboratory as part of a predisposition screen in an ostensibly healthy population. It had not been previously curated by ICSL or reported in the Human Gene Mutation Database (HGMD: prior to June 1st, 2018), and was therefore a candidate for classification through an automated scoring system. Utilizing variant allele frequency, disease prevalence and penetrance estimates, and inheritance mode, an automated score was calculated to assess if this variant is too frequent to cause the disease. Based on the score and internal cut-off values, a variant classified as benign is not then subjected to further curation. The score for this variant resulted in a classification of benign for this disease.

Illumina Laboratory Services, Illumina
Classification: Benign for Cranioectodermal dysplasia 2. Last evaluated: 2018-01-13. Review status: criteria provided, single submitter. Criteria: ICSL Variant Classification Criteria 13 December 2019. Collection method: clinical testing. Allele origin: germline.
Comment: the same text as in the submission from Illumina Laboratory Services, Illumina above.

Breakthrough Genomics
Classification: Benign. Review status: criteria provided, single submitter. Criteria: ACMG Guidelines, 2015. Collection method: not provided. Allele origin: germline. Inheritance: Autosomal recessive inheritance. Affected: yes.